The following is an entry in ClinVar:

NM_003722.5(TP63):c.1513A>G (p.Met505Val)

Gene: TP63 (tumor protein p63; plus strand). Cytogenetic location: 3q28.
Variant type: single nucleotide variant.
Coding change: c.1513A>G on transcript NM_003722.5 (MANE Select); coding-DNA position 1513, A replaced by G.
Protein change: p.Met505Val; replaces methionine 505 with valine.
Molecular consequence: missense variant. On other transcripts: intron variant (4).
Genome position (GRCh38, 1-based): chr3:189,889,345, A>G. VCF-style: chr3-189889345-A-G. GRCh37 (hg19) VCF-style: chr3-189607134-A-G.
Other names: c.1513A>G, p.Met505Val (NM_001114978.2); c.1231A>G, p.Met411Val (NM_001114980.2, NM_001114981.2); c.976A>G, p.Met326Val (NM_001329146.2); c.1501A>G, p.Met501Val (NM_001329148.2); c.1507A>G, p.Met503Val (NM_001329964.2); c.1507+2794A>G (NM_001329144.2); c.1225+2794A>G (NM_001329145.2); c.1213+2794A>G (NM_001329149.2); and 1 more; short protein forms M326V, M501V, M411V, M505V, M503V.
Identifiers: ClinVar variation 3667157 (VCV003667157.1).
Genomic context (GRCh38, chr3:189,889,345, plus strand): 5'-ATGCTGGTACATGATGATGGCAGTAACCCTTTTTGTTCCTCCTGCTTCTGTTCAGTTCCC[A>G]TGATGGGCACCCACATGCCAATGGCTGGAGACATGAATGGACTCAGCCCCACCCAGGCAC-3'
Protein context (NP_003713.3, residues 495-515): IPDGMGANIP[Met505Val]MGTHMPMAGD

ClinVar aggregate classification (germline): Uncertain significance (1 of 4 stars; one submission).

Conditions:
TP63-Related Spectrum Disorders.

gnomAD v4.1: 13 of 1,614,166 alleles (0.00081%); highest among the groups gnomAD compares: Admixed American, 0.0017%; no homozygotes.

Submission:

Labcorp Genetics (formerly Invitae), Labcorp
Classification: Uncertain significance. Last evaluated: 2024-10-17. Review status: criteria provided, single submitter. Criteria: Invitae Variant Classification Sherloc (09022015). Collection method: clinical testing. Allele origin: germline.
Comment: This sequence change replaces methionine, which is neutral and non-polar, with valine, which is neutral and non-polar, at codon 505 of the TP63 protein (p.Met505Val). This variant is present in population databases (rs183154960, gnomAD 0.003%). This variant has not been reported in the literature in individuals affected with TP63-related conditions. Invitae Evidence Modeling of protein sequence and biophysical properties (such as structural, functional, and spatial information, amino acid conservation, physicochemical variation, residue mobility, and thermodynamic stability) indicates that this missense variant is not expected to disrupt TP63 protein function with a negative predictive value of 80%. In summary, the available evidence is currently insufficient to determine the role of this variant in disease. Therefore, it has been classified as a Variant of Uncertain Significance.